The following is an entry in ClinVar:

ClinVar aggregate classification (germline): Uncertain significance (1 of 4 stars; one submission).

gnomAD v4.1: 1 of 1,611,314 alleles (0.000062%); highest among the groups gnomAD compares: Non-Finnish European, 0.000085%; no homozygotes.

Submission:

Ambry Genetics
Classification: Uncertain significance. Last evaluated: 2024-08-30. Review status: criteria provided, single submitter. Criteria: Ambry Variant Classification Scheme 2023. Collection method: clinical testing. Allele origin: germline.
Comment: The p.K1791R variant (also known as c.5372A>G), located in coding exon 5 of the ALPK2 gene, results from an A to G substitution at nucleotide position 5372. The lysine at codon 1791 is replaced by arginine, an amino acid with highly similar properties. This amino acid position is conserved. In addition, this alteration is predicted to be tolerated by in silico analysis. Based on the available evidence, the clinical significance of this variant remains unclear.

NM_052947.4(ALPK2):c.5372A>G (p.Lys1791Arg)

Gene: ALPK2 (alpha kinase 2; minus strand). Cytogenetic location: 18q21.31.
Variant type: single nucleotide variant.
Coding change: c.5372A>G on transcript NM_052947.4 (MANE Select); coding-DNA position 5372, A replaced by G.
Protein change: p.Lys1791Arg; replaces lysine 1791 with arginine.
Molecular consequence: missense variant.
Genome position (GRCh38, 1-based): chr18:58,529,220, T>C on the plus strand (A>G on the coding strand, the complement: ALPK2 is on the minus strand). VCF-style: chr18-58529220-T-C. GRCh37 (hg19) VCF-style: chr18-56196452-T-C.
Other names: short protein forms K1791R.
Identifiers: ClinVar variation 3531354 (VCV003531354.1).